The following is an entry in ClinVar:

NM_000036.3(AMPD1):c.-60dup

Gene: AMPD1 (adenosine monophosphate deaminase 1; minus strand). Cytogenetic location: 1p13.2.
Variant type: Duplication.
Coding change: c.-60dup on transcript NM_000036.3 (MANE Select); 60 bases upstream of the start codon, one base duplicated (C; older notation c.-60dupC).
Molecular consequence: 5 prime UTR variant.
Genome position (GRCh38, 1-based): chr1:114,695,531, G duplicated on the plus strand (C on the coding strand, the reverse complement: AMPD1 is on the minus strand); the first of 4 consecutive G bases (chr1:114,695,531-114,695,534); duplicating any one gives the same sequence. VCF-style (leftmost placement, unchanged base first): chr1-114695530-T-TG. GRCh37 (hg19) VCF-style: chr1-115238151-T-TG.
Other names: c.40dup (NM_000036.2); c.-60dup (NM_001172626.2); c.40dupC (NM_000036.2).
Identifiers: ClinVar variation 1033604 (VCV001033604.5), dbSNP rs770393080, ClinGen allele CA1020654.

ClinVar aggregate classification (germline): Uncertain significance. Review status: criteria provided, multiple submitters, no conflicts (2 of 4 stars). 3 submissions from 3 submitters: Uncertain significance (3). Last evaluated 2025-07-05.

Conditions:
Muscle AMP deaminase deficiency (MMDD). Also called: Adenosine monophosphate deaminase 1 deficiency; AMP deaminase 1 deficiency; Adenosine Monophosphate Deaminase 1; AMPD1 DEFICIENCY; ADENOSINE MONOPHOSPHATE DEAMINASE-1 DEFICIENCY, MYOPATHY DUE TO; Myoadenylate deaminase deficiency, myopathy due to. Identifiers: Orphanet 45, MedGen C3714933, MONDO:0014220, OMIM 615511.

Submissions (3):

GeneDx
Classification: Uncertain significance. Last evaluated: 2025-07-05. Review status: criteria provided, single submitter. Criteria: GeneDx Variant Classification Process June 2021. Collection method: clinical testing. Allele origin: germline. Affected: yes.
Comment: Frameshift variant predicted to result in protein truncation or nonsense mediated decay in a gene for which loss of function is a known mechanism of disease; Has not been previously published as pathogenic or benign to our knowledge

Labcorp Genetics (formerly Invitae), Labcorp
Classification: Uncertain significance for Muscle AMP deaminase deficiency. Last evaluated: 2024-12-26. Review status: criteria provided, single submitter. Criteria: Invitae Variant Classification Sherloc (09022015). Collection method: clinical testing. Allele origin: germline.
Comment: This sequence change creates a premature translational stop signal (p.His14Profs*29) in the AMPD1 gene. It is expected to result in an absent or disrupted protein product. However, the current clinical and genetic evidence is not sufficient to establish whether loss-of-function variants in AMPD1 cause disease. This variant is present in population databases (rs770393080, gnomAD 0.01%). This variant has not been reported in the literature in individuals affected with AMPD1-related conditions. ClinVar contains an entry for this variant (Variation ID: 1033604). In summary, the available evidence is currently insufficient to determine the role of this variant in disease. Therefore, it has been classified as a Variant of Uncertain Significance.

Baylor Genetics
Classification: Uncertain significance for Muscle AMP deaminase deficiency. Last evaluated: 2018-01-18. Review status: criteria provided, single submitter. Criteria: ACMG Guidelines, 2015. Collection method: clinical testing. Allele origin: paternal. Affected: yes.
Comment: This variant was determined to be of uncertain significance according to ACMG Guidelines, 2015 [PMID:25741868].